The following is an entry in ClinVar:

NM_000138.5(FBN1):c.5663del (p.Met1888fs)

Gene: FBN1 (fibrillin 1; minus strand). Cytogenetic location: 15q21.1.
Variant type: Deletion.
Coding change: c.5663del on transcript NM_000138.5 (MANE Select); coding-DNA position 5663, one base deleted (T; older notation c.5663delT).
Protein change: p.Met1888fs; shifts the reading frame from methionine 1888.
Molecular consequence: frameshift variant.
Genome position (GRCh38, 1-based): chr15:48,448,776, A deleted on the plus strand (T on the coding strand, the reverse complement: FBN1 is on the minus strand). VCF-style (leftmost placement, unchanged base first): chr15-48448775-CA-C. GRCh37 (hg19) VCF-style: chr15-48740972-CA-C.
Other names: c.5663delT (NM_000138.4); short protein forms M1888fs.
Identifiers: ClinVar variation 495627 (VCV000495627.1), dbSNP rs1555395972, ClinGen allele CA658683893.

ClinVar aggregate classification (germline): Likely pathogenic (1 of 4 stars; one submission).

Conditions:
Marfan Syndrome/Loeys-Dietz Syndrome/Familial Thoracic Aortic Aneurysms and Dissections. Identifiers: MedGen CN229799.

Submission:

Women's Health and Genetics/Laboratory Corporation of America, LabCorp
Classification: Likely pathogenic for Marfan Syndrome/Loeys-Dietz Syndrome/Familial Thoracic Aortic Aneurysms and Dissections. Last evaluated: 2016-03-01. Review status: criteria provided, single submitter. Criteria: LabCorp Variant Classification Summary - May 2015. Collection method: clinical testing. Allele origin: germline.
Comment: Variant summary: This c.5663delT variant in FBN1 gene is a frameshift alteration that has not been found in approximately 119,502 control chromosomes from ExAC dataset. To our knowledge, this variant has not been previously reported in affected patients via publication and/or reputable databases/clinical laboratories. Loss-of-function mutations in the FBN1 gene is one of the known mechanisms of the disease. Taken together, the variant was classified as Likely Pathogenic, until more information becomes available.